The following is an entry in ClinVar:

NM_032043.3(BRIP1):c.1417A>G (p.Met473Val)

Gene: BRIP1 (BRCA1 interacting DNA helicase 1; minus strand). Cytogenetic location: 17q23.2.
Variant type: single nucleotide variant.
Coding change: c.1417A>G on transcript NM_032043.3 (MANE Select); coding-DNA position 1417, A replaced by G.
Protein change: p.Met473Val; replaces methionine 473 with valine.
Molecular consequence: missense variant.
Genome position (GRCh38, 1-based): chr17:61,793,653, T>C on the plus strand (A>G on the coding strand, the complement: BRIP1 is on the minus strand). VCF-style: chr17-61793653-T-C. GRCh37 (hg19) VCF-style: chr17-59871014-T-C.
Other names: short protein forms M473V.
Identifiers: ClinVar variation 3756307 (VCV003756307.2).

ClinVar aggregate classification (germline): Uncertain significance (1 of 4 stars; one submission).

Conditions:
Fanconi anemia complementation group J. Also called: BRIP1-Related Fanconi Anemia. Identifiers: Orphanet 84, MedGen C1836860, MONDO:0012187, OMIM 609054.
Familial cancer of breast. Also called: BREAST CANCER, FAMILIAL; Hereditary breast cancer; hereditary breast carcinoma. Identifiers: Orphanet 227535, MedGen C0346153, MONDO:0016419, OMIM 114480. Disease mechanism: loss of function.

Submission:

Labcorp Genetics (formerly Invitae), Labcorp
Classification: Uncertain significance for Familial cancer of breast; Fanconi anemia complementation group J. Last evaluated: 2024-08-22. Review status: criteria provided, single submitter. Criteria: Invitae Variant Classification Sherloc (09022015). Collection method: clinical testing. Allele origin: germline.
Comment: This sequence change replaces methionine, which is neutral and non-polar, with valine, which is neutral and non-polar, at codon 473 of the BRIP1 protein (p.Met473Val). This variant is not present in population databases (gnomAD no frequency). This variant has not been reported in the literature in individuals affected with BRIP1-related conditions. Invitae Evidence Modeling of protein sequence and biophysical properties (such as structural, functional, and spatial information, amino acid conservation, physicochemical variation, residue mobility, and thermodynamic stability) indicates that this missense variant is not expected to disrupt BRIP1 protein function with a negative predictive value of 80%. In summary, the available evidence is currently insufficient to determine the role of this variant in disease. Therefore, it has been classified as a Variant of Uncertain Significance.